The following is an entry in ClinVar:

NM_000350.3(ABCA4):c.1761G>T (p.Arg587Ser)

Gene: ABCA4 (ATP binding cassette subfamily A member 4; minus strand). Cytogenetic location: 1p22.1.
Variant type: single nucleotide variant.
Coding change: c.1761G>T on transcript NM_000350.3 (MANE Select); coding-DNA position 1761, G replaced by T.
Protein change: p.Arg587Ser; replaces arginine 587 with serine.
Molecular consequence: missense variant.
Genome position (GRCh38, 1-based): chr1:94,062,753, C>A on the plus strand (G>T on the coding strand, the complement: ABCA4 is on the minus strand). VCF-style: chr1-94062753-C-A. GRCh37 (hg19) VCF-style: chr1-94528309-C-A.
Other names: c.1761G>T, p.Arg587Ser (NM_001425324.1); short protein forms R587S.
Identifiers: ClinVar variation 866878 (VCV000866878.6), dbSNP rs1661166945, ClinGen allele CA341279808.

ClinVar aggregate classification (germline): Uncertain significance (1 of 4 stars; one submission).

Submission:

Labcorp Genetics (formerly Invitae), Labcorp
Classification: Uncertain significance. Last evaluated: 2022-07-25. Review status: criteria provided, single submitter. Criteria: Invitae Variant Classification Sherloc (09022015). Collection method: clinical testing. Allele origin: germline.
Comment: In summary, the available evidence is currently insufficient to determine the role of this variant in disease. Therefore, it has been classified as a Variant of Uncertain Significance. Algorithms developed to predict the effect of sequence changes on RNA splicing suggest that this variant may disrupt the consensus splice site. Algorithms developed to predict the effect of missense changes on protein structure and function (SIFT, PolyPhen-2, Align-GVGD) all suggest that this variant is likely to be disruptive. ClinVar contains an entry for this variant (Variation ID: 866878). This variant has not been reported in the literature in individuals affected with ABCA4-related conditions. This variant is not present in population databases (gnomAD no frequency). This sequence change replaces arginine, which is basic and polar, with serine, which is neutral and polar, at codon 587 of the ABCA4 protein (p.Arg587Ser).